The following is an entry in ClinVar:

NM_000135.4(FANCA):c.4205T>G (p.Phe1402Cys)

Genes: FANCA (FA complementation group A; minus strand), ZNF276 (zinc finger protein 276; plus strand). Cytogenetic location: 16q24.3.
Variant type: single nucleotide variant.
Coding change: c.4205T>G on transcript NM_000135.4 (MANE Select); coding-DNA position 4205, T replaced by G.
Protein change: p.Phe1402Cys; replaces phenylalanine 1402 with cysteine.
Molecular consequence: missense variant. On other transcripts: 3 prime UTR variant (2), non-coding transcript variant (4).
Genome position (GRCh38, 1-based): chr16:89,738,937, A>C on the plus strand (T>G on the coding strand, the complement: FANCA is on the minus strand). VCF-style: chr16-89738937-A-C. GRCh37 (hg19) VCF-style: chr16-89805345-A-C.
Other names: c.4209T>G, p.Phe1403Leu (NM_001286167.3); c.*691A>C (NM_001113525.2, NM_152287.4); short protein forms F1402C, F1403L.
Identifiers: ClinVar variation 5036434 (VCV005036434.1).

ClinVar aggregate classification (germline): Uncertain significance (1 of 4 stars; one submission).

Conditions:
Inborn genetic diseases. Identifiers: MedGen C0950123, MeSH D030342.

Submission:

Ambry Genetics
Classification: Uncertain significance for Inborn genetic diseases. Last evaluated: 2026-08-26. Review status: criteria provided, single submitter. Criteria: Ambry Variant Classification Scheme 2023. Collection method: clinical testing. Allele origin: germline.
Comment: The p.F1402C variant (also known as c.4205T>G), located in coding exon 42 of the FANCA gene, results from a T to G substitution at nucleotide position 4205. The phenylalanine at codon 1402 is replaced by cysteine, an amino acid with highly dissimilar properties. This amino acid position is conserved. In addition, the in silico prediction for this alteration is inconclusive. Based on the available evidence, the clinical significance of this variant remains unclear.